The following is an entry in ClinVar:

NM_020436.5(SALL4):c.1679_1687del (p.Lys560_Thr562del)

Gene: SALL4 (spalt like transcription factor 4; minus strand). Cytogenetic location: 20q13.2.
Variant type: Deletion.
Coding change: c.1679_1687del on transcript NM_020436.5 (MANE Select); coding-DNA positions 1679 to 1687, 9 bases deleted (AGGCCACCA; older notation c.1679_1687delAGGCCACCA).
Protein change: p.Lys560_Thr562del.
Molecular consequence: inframe deletion. On other transcripts: intron variant (1).
Genome position (GRCh38, 1-based): chr20:51,790,796-51,790,804, TGGTGGCCT deleted on the plus strand (AGGCCACCA on the coding strand, the reverse complement: SALL4 is on the minus strand); deleting any 9 consecutive bases within chr20:51,790,796-51,790,806 gives the same sequence; the c. name uses the placement nearest the transcript's 3' end. VCF-style (leftmost placement, unchanged base first): chr20-51790795-GTGGTGGCCT-G. GRCh37 (hg19) VCF-style: chr20-50407334-GTGGTGGCCT-G.
Other names: c.1150+529_1150+537del (NM_001318031.2).
Identifiers: ClinVar variation 1972057 (VCV001972057.5), dbSNP rs2515715958, ClinGen allele CA2580098290.

ClinVar aggregate classification (germline): Uncertain significance (1 of 4 stars; one submission).

Conditions:
Duane-radial ray syndrome (DRRS). Also called: ACRORENOOCULAR SYNDROME; DR SYNDROME; DUANE ANOMALY WITH RADIAL RAY ABNORMALITIES AND DEAFNESS; Duane-Radial Ray Syndrome/Okihiro Syndrome; Okihiro Syndrome; Duane-Radial Ray Syndrome (DRRS) / Okihiro Syndrome. Identifiers: Orphanet 93293, Orphanet 959, MedGen C1623209, MONDO:0011812, OMIM 607323. Disease mechanism: gain of function.

Submission:

Labcorp Genetics (formerly Invitae), Labcorp
Classification: Uncertain significance for Duane-radial ray syndrome. Last evaluated: 2022-06-22. Review status: criteria provided, single submitter. Criteria: Invitae Variant Classification Sherloc (09022015). Collection method: clinical testing. Allele origin: germline.
Comment: In summary, the available evidence is currently insufficient to determine the role of this variant in disease. Therefore, it has been classified as a Variant of Uncertain Significance. Experimental studies and prediction algorithms are not available or were not evaluated, and the functional significance of this variant is currently unknown. This variant has not been reported in the literature in individuals affected with SALL4-related conditions. This variant is not present in population databases (gnomAD no frequency). This variant, c.1679_1687del, results in the deletion of 3 amino acid(s) of the SALL4 protein (p.Lys560_Thr562del), but otherwise preserves the integrity of the reading frame.